The following is an entry in ClinVar:

ClinVar aggregate classification (germline): Benign. Review status: criteria provided, single submitter (1 of 4 stars). 2 submissions from 2 submitters: Benign (1). 1 of the submissions does not count toward it. Last evaluated 2026-08-07.

Conditions:
POLQ-related disorder. Also called: POLQ-related condition.
Familial cancer of breast. Also called: hereditary breast carcinoma; BREAST CANCER, FAMILIAL; Hereditary breast cancer. Identifiers: Orphanet 227535, MedGen C0346153, MONDO:0016419, OMIM 114480. Disease mechanism: loss of function.

Allele frequency attached by ClinVar (database versions not stated): TOPMed 0.68875; 1000 Genomes Project 0.74521; gnomAD exomes 0.70709; ExAC 0.72174; ESP Exome Variant Server 0.66961; gnomAD 0.69115; 1000 Genomes Project 30x 0.73641.
gnomAD v4.1: 1,137,267 of 1,610,942 alleles (71%); highest among the groups gnomAD compares: East Asian, 89%; 403,900 homozygotes.

Submissions (2):

Genomic Medicine Laboratory, Hospital de Clinicas de Porto Alegre
Classification: Benign for Familial cancer of breast. Last evaluated: 2026-08-07. Review status: criteria provided, single submitter. Criteria: ACGS UK Practice Guidelines For Variant Classification V12 2024. Collection method: research. Allele origin: germline. Affected: yes. Observed: 27 variant alleles.
Comment: BA1: Allele frequency is above 5%.

PreventionGenetics, part of Exact Sciences
Classification: Benign for POLQ-related condition. Last evaluated: 2019-12-20. Review status: no assertion criteria provided. Collection method: clinical testing. Allele origin: germline. Not counted in ClinVar's aggregate classification.
Comment: This variant is classified as benign based on ACMG/AMP sequence variant interpretation guidelines (Richards et al. 2015 PMID: 25741868, with internal and published modifications).

NM_199420.4(POLQ):c.7538A>G (p.Gln2513Arg)

Gene: POLQ (DNA polymerase theta; minus strand). Cytogenetic location: 3q13.33.
Variant type: single nucleotide variant.
Coding change: c.7538A>G on transcript NM_199420.4 (MANE Select); coding-DNA position 7538, A replaced by G.
Protein change: p.Gln2513Arg; replaces glutamine 2513 with arginine.
Molecular consequence: missense variant.
Genome position (GRCh38, 1-based): chr3:121,436,127, T>C on the plus strand (A>G on the coding strand, the complement: POLQ is on the minus strand). VCF-style: chr3-121436127-T-C. GRCh37 (hg19) VCF-style: chr3-121154974-T-C.
Other names: short protein forms Q2513R.
Identifiers: ClinVar variation 3059713 (VCV003059713.3), dbSNP rs1381057, ClinGen allele CA2562158.